The following is an entry in ClinVar:

ClinVar aggregate classification (germline): Pathogenic (1 of 4 stars; one submission).

Conditions:
Peroxisome biogenesis disorder 3A (Zellweger). Also called: PEROXISOMAL BIOGENESIS DISORDER 3A (ZELLWEGER); Peroxisome biogenesis disorder 3A. Identifiers: Orphanet 912, MedGen C3553929, MONDO:0013927, OMIM 614859.

Submission:

Labcorp Genetics (formerly Invitae), Labcorp
Classification: Pathogenic for Peroxisome biogenesis disorder 3A (Zellweger). Last evaluated: 2020-10-30. Review status: criteria provided, single submitter. Criteria: Invitae Variant Classification Sherloc (09022015). Collection method: clinical testing. Allele origin: germline.
Comment: This variant has not been reported in the literature in individuals with PEX12-related conditions. For these reasons, this variant has been classified as Pathogenic. This variant is not present in population databases (ExAC no frequency). This sequence change creates a premature translational stop signal (p.Leu75Serfs*3) in the PEX12 gene. It is expected to result in an absent or disrupted protein product. Loss-of-function variants in PEX12 are known to be pathogenic (PMID: 9090384, 9632816, 21031596).

Literature cited by the submitters: PubMed 9090384; PubMed 9632816; PubMed 21031596.

NM_000286.3(PEX12):c.222dup (p.Leu75fs)

Gene: PEX12 (peroxisomal biogenesis factor 12; minus strand). Cytogenetic location: 17q12.
Variant type: Duplication.
Coding change: c.222dup on transcript NM_000286.3 (MANE Select); coding-DNA position 222, one base duplicated (T; older notation c.222dupT).
Protein change: p.Leu75fs; shifts the reading frame from leucine 75.
Molecular consequence: frameshift variant.
Genome position (GRCh38, 1-based): chr17:35,577,496, A duplicated on the plus strand (T on the coding strand, the reverse complement: PEX12 is on the minus strand). VCF-style (leftmost placement, unchanged base first): chr17-35577495-G-GA. GRCh37 (hg19) VCF-style: chr17-33904514-G-GA.
Other names: short protein forms L75fs.
Identifiers: ClinVar variation 1430060 (VCV001430060.6), dbSNP rs2142231111, ClinGen allele CA2573153724.